The following is an entry in ClinVar:

NM_001985.3(ETFB):c.541G>A (p.Val181Met)

Gene: ETFB (electron transfer flavoprotein subunit beta; minus strand). Cytogenetic location: 19q13.41.
Variant type: single nucleotide variant.
Coding change: c.541G>A on transcript NM_001985.3 (MANE Select); coding-DNA position 541, G replaced by A.
Protein change: p.Val181Met; replaces valine 181 with methionine.
Molecular consequence: missense variant.
Genome position (GRCh38, 1-based): chr19:51,346,956, C>T on the plus strand (G>A on the coding strand, the complement: ETFB is on the minus strand). VCF-style: chr19-51346956-C-T. GRCh37 (hg19) VCF-style: chr19-51850210-C-T.
Other names: c.814G>A, p.Val272Met (NM_001014763.1); c.541G>A (NM_001985.2); short protein forms V272M, V181M.
Identifiers: ClinVar variation 1406302 (VCV001406302.6), dbSNP rs148443220, ClinGen allele CA9610724.
Genomic context (GRCh38, chr19:51,346,956, plus strand): 5'-TCACCATGATGTTGGGCAGCGTGGCGTAGCGGGGCTCGTTGAGCCTCAGGTCAGCTGTCA[C>T]CACAGCTGGCAGCTTCAGGCGCAGGGTCTCCAGGCCCCCATCGATCTCCCGCTCCACTTT-3'
Protein context (NP_001976.1, residues 171-191): ETLRLKLPAV[Val181Met]TADLRLNEPR

ClinVar aggregate classification (germline): Uncertain significance. Review status: criteria provided, multiple submitters, no conflicts (2 of 4 stars). 3 submissions from 3 submitters: Uncertain significance (3). Last evaluated 2025-04-25.

Conditions:
Multiple acyl-CoA dehydrogenase deficiency (MADD). Also called: Glutaric Acidemia type 2; Glutaric aciduria, type 2; Glutaric acidemia type II; GA 2; ETHYLMALONIC-ADIPICACIDURIA; GA II. Identifiers: Orphanet 26791, MedGen C0268596, MONDO:0009282, OMIM 231680.

Allele frequency attached by ClinVar (database versions not stated): 1000 Genomes Project 30x 0.00031; ExAC 0.00017; gnomAD 0.00019 and 0.00022; 1000 Genomes Project 0.00020; TOPMed 0.00021; ESP Exome Variant Server 0.00023.
gnomAD v4.1: 61 of 1,597,526 alleles (0.0038%); highest among the groups gnomAD compares: African/African-American, 0.075%; no homozygotes.

Submissions (3):

Dasa
Classification: Uncertain significance. Last evaluated: 2025-04-25. Review status: criteria provided, single submitter. Criteria: DASA Assertion Criteria. Collection method: clinical testing. Allele origin: germline.
Comment: NM_001985.3(ETFB):c.541G>A (p.Val181Met) is a missense variant that results in the substitution of valine with methionine. This variant is rare in population databases. The currently available literature and clinical evidence are not sufficient to establish a definitive association between this variant and the reported condition. Therefore, this variant is classified as a variant of uncertain significance.

GeneDx
Classification: Uncertain significance. Last evaluated: 2025-04-15. Review status: criteria provided, single submitter. Criteria: GeneDx Variant Classification Process June 2021. Collection method: clinical testing. Allele origin: germline.
Comment: In silico analysis indicates that this missense variant does not alter protein structure/function; Has not been previously published as pathogenic or benign to our knowledge

Labcorp Genetics (formerly Invitae), Labcorp
Classification: Uncertain significance for Multiple acyl-CoA dehydrogenase deficiency. Last evaluated: 2022-07-19. Review status: criteria provided, single submitter. Criteria: Invitae Variant Classification Sherloc (09022015). Collection method: clinical testing. Allele origin: germline.
Comment: This sequence change replaces valine, which is neutral and non-polar, with methionine, which is neutral and non-polar, at codon 181 of the ETFB protein (p.Val181Met). This variant is present in population databases (rs148443220, gnomAD 0.1%). This variant has not been reported in the literature in individuals affected with ETFB-related conditions. Algorithms developed to predict the effect of missense changes on protein structure and function are either unavailable or do not agree on the potential impact of this missense change (SIFT: "Deleterious"; PolyPhen-2: "Possibly Damaging"; Align-GVGD: "Class C0"). In summary, the available evidence is currently insufficient to determine the role of this variant in disease. Therefore, it has been classified as a Variant of Uncertain Significance.